The following is an entry in ClinVar:

ClinVar aggregate classification (germline): Pathogenic/Likely pathogenic. Review status: criteria provided, multiple submitters, no conflicts (2 of 4 stars). 7 submissions from 7 submitters: Pathogenic (2); Likely pathogenic (5). Last evaluated 2025-04-17.

Conditions:
Congenital myasthenic syndrome (CMS). Also called: Congenital Myasthenic Syndromes. Identifiers: Orphanet 590, MedGen C0751882, MeSH D020294, MONDO:0018940.
Familial infantile myasthenia (CMS6). Also called: MYASTHENIC SYNDROME, PRESYNAPTIC, CONGENITAL, ASSOCIATED WITH EPISODIC APNEA; Congenital myasthenic syndrome type 6; MYASTHENIC SYNDROME, CONGENITAL, 6, PRESYNAPTIC. Identifiers: Orphanet 590, MedGen C0393929, MONDO:0009689, OMIM 254210.

Allele frequency attached by ClinVar (database versions not stated): gnomAD 0.00003; TOPMed 0.00004.
gnomAD v4.1: 11 of 1,613,648 alleles (0.00068%); highest among the groups gnomAD compares: African/African-American, 0.0067%; no homozygotes.

Submissions (7):

Labcorp Genetics (formerly Invitae), Labcorp
Classification: Likely pathogenic for Familial infantile myasthenia. Last evaluated: 2025-04-17. Review status: criteria provided, single submitter. Criteria: Invitae Variant Classification Sherloc (09022015). Collection method: clinical testing. Allele origin: germline.
Comment: This sequence change replaces arginine, which is basic and polar, with histidine, which is basic and polar, at codon 207 of the CHAT protein (p.Arg207His). This variant is present in population databases (rs764497513, gnomAD 0.007%). This missense change has been observed in individuals with congenital myasthenic syndrome (PMID: 26080897). ClinVar contains an entry for this variant (Variation ID: 289944). Invitae Evidence Modeling of protein sequence and biophysical properties (such as structural, functional, and spatial information, amino acid conservation, physicochemical variation, residue mobility, and thermodynamic stability) has been performed for this missense variant. However, the output from this modeling did not meet the statistical confidence thresholds required to predict the impact of this variant on CHAT protein function. Experimental studies have shown that this missense change affects CHAT function (PMID: 26080897). In summary, the currently available evidence indicates that the variant is pathogenic, but additional data are needed to prove that conclusively. Therefore, this variant has been classified as Likely Pathogenic.

Women's Health and Genetics/Laboratory Corporation of America, LabCorp
Classification: Pathogenic for Congenital myasthenic syndrome. Last evaluated: 2024-08-07. Review status: criteria provided, single submitter. Criteria: LabCorp Variant Classification Summary - May 2015. Collection method: clinical testing. Allele origin: germline.
Comment: Variant summary: CHAT c.620G>A (p.Arg207His) results in a non-conservative amino acid change located in the Choline/carnitine acyltransferase domain (IPR039551) of the encoded protein sequence. Five of five in-silico tools predict a damaging effect of the variant on protein function. The variant allele was found at a frequency of 1.2e-05 in 251416 control chromosomes. c.620G>A has been reported in the literature in individuals affected with Congenital Myasthenic Syndrome (Arredondo_2016). These data indicate that the variant is likely to be associated with disease. In transfected HEK293 cells, the variant had 81% expression levels as compared to wild-type, but only 3% catalytic efficiency (Arredondo_2016). The most pronounced variant effect results in <10% of normal activity. The following publication has been ascertained in the context of this evaluation (PMID: 26080897). ClinVar contains an entry for this variant (Variation ID: 289944). Based on the evidence outlined above, the variant was classified as pathogenic.

Genomic Research Center, Shahid Beheshti University of Medical Sciences
Classification: Likely pathogenic for Familial infantile myasthenia. Last evaluated: 2024-07-20. Review status: criteria provided, single submitter. Criteria: ACMG Guidelines, 2015. Collection method: clinical testing. Allele origin: inherited. Affected: no. Observed: 1 variant allele.

Fulgent Genetics
Classification: Likely pathogenic for Familial infantile myasthenia. Last evaluated: 2024-02-25. Review status: criteria provided, single submitter. Criteria: ACMG Guidelines, 2015. Collection method: clinical testing. Allele origin: germline.

Baylor Genetics
Classification: Likely pathogenic for Familial infantile myasthenia. Last evaluated: 2023-11-28. Review status: criteria provided, single submitter. Criteria: ACMG Guidelines, 2015. Collection method: clinical testing. Allele origin: unknown.

Eurofins Ntd Llc (ga)
Classification: Pathogenic. Last evaluated: 2016-08-16. Review status: criteria provided, single submitter. Criteria: EGL Classification Definitions 2015. Collection method: clinical testing. Allele origin: germline. Observed: 2 variant alleles, 2 heterozygotes.

Genetic Services Laboratory, University of Chicago
Classification: Likely pathogenic for Myasthenic syndrome, congenital, 6, presynaptic. Last evaluated: 2015-11-12. Review status: criteria provided, single submitter. Criteria: ACMG Guidelines, 2015. Collection method: clinical testing. Allele origin: germline. Affected: yes.

Literature cited by the submitters: PubMed 26080897 (cited by Labcorp Genetics (formerly Invitae), Labcorp and Women's Health and Genetics/Laboratory Corporation of America, LabCorp).

NM_020549.5(CHAT):c.620G>A (p.Arg207His)

Gene: CHAT (choline O-acetyltransferase; plus strand). Cytogenetic location: 10q11.23.
Variant type: single nucleotide variant.
Coding change: c.620G>A on transcript NM_020549.5 (MANE Select); coding-DNA position 620, G replaced by A.
Protein change: p.Arg207His; replaces arginine 207 with histidine.
Molecular consequence: missense variant.
Genome position (GRCh38, 1-based): chr10:49,620,535, G>A. VCF-style: chr10-49620535-G-A. GRCh37 (hg19) VCF-style: chr10-50828581-G-A.
Other names: c.266G>A, p.Arg89His (NM_001142929.2, NM_001142934.2, NM_020984.4 and 2 more transcripts); c.374G>A, p.Arg125His (NM_001142933.2); short protein forms R89H, R207H, R125H.
Identifiers: ClinVar variation 289944 (VCV000289944.26), dbSNP rs764497513, ClinGen allele CA5497204.